The following is an entry in ClinVar:

ClinVar aggregate classification (germline): Uncertain significance. Review status: criteria provided, multiple submitters, no conflicts (2 of 4 stars). 9 submissions from 9 submitters: Uncertain significance (9). Last evaluated 2026-01-26.

Conditions:
RAD51C-related disorder. Also called: RAD51C-related disorders; RAD51C-related condition.
Breast-ovarian cancer, familial, susceptibility to, 3. Also called: RAD51C-Related Breast/Ovarian Cancer. Identifiers: Orphanet 145, MedGen C3150659, MONDO:0013253, OMIM 613399.
Fanconi anemia complementation group O. Also called: RAD51C-Related Fanconi Anemia. Identifiers: Orphanet 84, MedGen C3150653, MONDO:0013248, OMIM 613390.
Hereditary cancer-predisposing syndrome. Also called: Hereditary neoplastic syndrome; Neoplastic Syndromes, Hereditary; Hereditary Cancer Syndrome; Tumor predisposition. Identifiers: Orphanet 140162, MedGen C0027672, MeSH D009386, MONDO:0015356.

Allele frequency attached by ClinVar (database versions not stated): gnomAD exomes below 0.00001; ExAC 0.00001.
gnomAD v4.1: 2 of 1,614,196 alleles (0.00012%); highest among the groups gnomAD compares: Non-Finnish European, 0.00017%; no homozygotes.

Submissions (9):

Labcorp Genetics (formerly Invitae), Labcorp
Classification: Uncertain significance for Fanconi anemia complementation group O. Last evaluated: 2026-01-26. Review status: criteria provided, single submitter. Criteria: Invitae Variant Classification Sherloc (09022015). Collection method: clinical testing. Allele origin: germline.
Comment: This sequence change replaces alanine, which is neutral and non-polar, with threonine, which is neutral and polar, at codon 155 of the RAD51C protein (p.Ala155Thr). This variant is present in population databases (rs755879664, gnomAD 0.0009%). This variant has not been reported in the literature in individuals affected with RAD51C-related conditions. ClinVar contains an entry for this variant (Variation ID: 570140). Invitae Evidence Modeling of protein sequence and biophysical properties (such as structural, functional, and spatial information, amino acid conservation, physicochemical variation, residue mobility, and thermodynamic stability) indicates that this missense variant is not expected to disrupt RAD51C protein function with a negative predictive value of 80%. In summary, the available evidence is currently insufficient to determine the role of this variant in disease. Therefore, it has been classified as a Variant of Uncertain Significance.

Center for Genomic Medicine, Rigshospitalet, Copenhagen University Hospital
Classification: Uncertain significance. Last evaluated: 2025-03-04. Review status: criteria provided, single submitter. Criteria: ACMG Guidelines, 2015. Collection method: clinical testing. Allele origin: germline.

Color Diagnostics, LLC DBA Color Health
Classification: Uncertain significance for Hereditary cancer-predisposing syndrome. Last evaluated: 2025-02-10. Review status: criteria provided, single submitter. Criteria: ACMG Guidelines, 2015. Collection method: clinical testing. Allele origin: germline.
Comment: This missense variant replaces alanine with threonine at codon 155 of the RAD51C protein. Computational prediction suggests that this variant may not impact protein structure and function. To our knowledge, functional studies have not been reported for this variant. This variant has not been reported in individuals affected with RAD51C-related disorders in the literature. This variant has been identified in 1/251454 chromosomes in the general population by the Genome Aggregation Database (gnomAD). The available evidence is insufficient to determine the role of this variant in disease conclusively. Therefore, this variant is classified as a Variant of Uncertain Significance.

Baylor Genetics
Classification: Uncertain significance for Breast-ovarian cancer, familial, susceptibility to, 3. Last evaluated: 2024-03-18. Review status: criteria provided, single submitter. Criteria: ACMG Guidelines, 2015. Collection method: clinical testing. Allele origin: unknown.

Department of Pathology and Laboratory Medicine, Sinai Health System
Classification: Uncertain significance for Fanconi anemia complementation group O; Breast-ovarian cancer, familial, susceptibility to, 3. Last evaluated: 2024-02-26. Review status: criteria provided, single submitter. Criteria: ACMG Guidelines, 2015. Collection method: clinical testing. Allele origin: germline. Affected: yes.

Ambry Genetics
Classification: Uncertain significance for Hereditary cancer-predisposing syndrome. Last evaluated: 2023-06-09. Review status: criteria provided, single submitter. Criteria: Ambry Variant Classification Scheme 2023. Collection method: clinical testing. Allele origin: germline.
Comment: The p.A155T variant (also known as c.463G>A), located in coding exon 3 of the RAD51C gene, results from a G to A substitution at nucleotide position 463. The alanine at codon 155 is replaced by threonine, an amino acid with similar properties. This amino acid position is well conserved in available vertebrate species. In addition, this alteration is predicted to be tolerated by in silico analysis. Since supporting evidence is limited at this time, the clinical significance of this alteration remains unclear.

PreventionGenetics, part of Exact Sciences
Classification: Uncertain significance for RAD51C-related condition. Last evaluated: 2022-12-27. Review status: criteria provided, single submitter. Criteria: ACMG Guidelines, 2015. Collection method: clinical testing. Allele origin: germline.
Comment: The RAD51C c.463G>A variant is predicted to result in the amino acid substitution p.Ala155Thr. To our knowledge, this variant has not been reported in the literature. This variant is reported in 0.00088% of alleles in individuals of European (Non-Finnish) descent in gnomAD and is interpreted as uncertain in ClinVar. At this time, the clinical significance of this variant is uncertain due to the absence of conclusive functional and genetic evidence.

Fulgent Genetics
Classification: Uncertain significance for Fanconi anemia complementation group O; Breast-ovarian cancer, familial, susceptibility to, 3. Last evaluated: 2021-08-31. Review status: criteria provided, single submitter. Criteria: ACMG Guidelines, 2015. Collection method: clinical testing. Allele origin: unknown.

GeneDx
Classification: Uncertain significance. Last evaluated: 2020-02-20. Review status: criteria provided, single submitter. Criteria: GeneDx Variant Classification Process June 2021. Collection method: clinical testing. Allele origin: germline. Affected: yes.
Comment: Not observed at a significant frequency in large population cohorts (Lek 2016); In silico analysis supports that this missense variant has a deleterious effect on protein structure/function; Has not been previously published as pathogenic or benign to our knowledge; This variant is associated with the following publications: (PMID: 28481359)

NM_058216.3(RAD51C):c.463G>A (p.Ala155Thr)

Gene: RAD51C (RAD51 paralog C; plus strand). Cytogenetic location: 17q22.
Variant type: single nucleotide variant.
Coding change: c.463G>A on transcript NM_058216.3 (MANE Select); coding-DNA position 463, G replaced by A.
Protein change: p.Ala155Thr; replaces alanine 155 with threonine.
Molecular consequence: missense variant.
Genome position (GRCh38, 1-based): chr17:58,696,751, G>A. VCF-style: chr17-58696751-G-A. GRCh37 (hg19) VCF-style: chr17-56774112-G-A.
Other names: short protein forms A155T.
Identifiers: ClinVar variation 570140 (VCV000570140.24), dbSNP rs755879664, ClinGen allele CA8677233.